The following is an entry in ClinVar:

NM_004304.5(ALK):c.2979C>A (p.Asp993Glu)

Gene: ALK (ALK receptor tyrosine kinase; minus strand). Cytogenetic location: 2p23.2.
Variant type: single nucleotide variant.
Coding change: c.2979C>A on transcript NM_004304.5 (MANE Select); coding-DNA position 2979, C replaced by A.
Protein change: p.Asp993Glu; replaces aspartic acid 993 with glutamic acid.
Molecular consequence: missense variant.
Genome position (GRCh38, 1-based): chr2:29,227,010, G>T on the plus strand (C>A on the coding strand, the complement: ALK is on the minus strand). VCF-style: chr2-29227010-G-T. GRCh37 (hg19) VCF-style: chr2-29449876-G-T.
Other names: short protein forms D993E.
Identifiers: ClinVar variation 862216 (VCV000862216.15), dbSNP rs761999849, ClinGen allele CA346467765.
Genomic context (GRCh38, chr2:29,227,010, plus strand): 5'-CACCGTCCCGTGGTCACAGAAGCAGATGACCTTGTGGCTTTCAGGGTCCATGTGACATTC[G>T]TCTACCTCACAGTGACTGCAGTTTAGATAATGCTTAATATTCACTTCCCCGTGGCCTTCC-3'
Protein context (NP_004295.2, residues 983-1003): HYLNCSHCEV[Asp993Glu]ECHMDPESHK

ClinVar aggregate classification (germline): Uncertain significance. Review status: criteria provided, multiple submitters, no conflicts (2 of 4 stars). 4 submissions from 4 submitters: Uncertain significance (4). Last evaluated 2024-11-15.

Conditions:
Hereditary cancer-predisposing syndrome. Also called: Tumor predisposition; Hereditary Cancer Syndrome; Neoplastic Syndromes, Hereditary; Hereditary neoplastic syndrome. Identifiers: Orphanet 140162, MedGen C0027672, MeSH D009386, MONDO:0015356.
Neuroblastoma, susceptibility to, 3. Also called: ALK-Related Neuroblastic Tumor Susceptibility. Identifiers: Orphanet 635, MedGen C2751681, MONDO:0013083, OMIM 613014.

gnomAD v4.1: 31 of 1,614,108 alleles (0.0019%); highest among the groups gnomAD compares: Non-Finnish European, 0.0026%; no homozygotes.

Submissions (4):

Ambry Genetics
Classification: Uncertain significance for Hereditary cancer-predisposing syndrome. Last evaluated: 2024-11-15. Review status: criteria provided, single submitter. Criteria: Ambry Variant Classification Scheme 2023. Collection method: clinical testing. Allele origin: germline.
Comment: The p.D993E variant (also known as c.2979C>A), located in coding exon 18 of the ALK gene, results from a C to A substitution at nucleotide position 2979. The aspartic acid at codon 993 is replaced by glutamic acid, an amino acid with highly similar properties. This amino acid position is conserved. In addition, this alteration is predicted to be tolerated by in silico analysis. Since supporting evidence is limited at this time, the clinical significance of this alteration remains unclear.

Labcorp Genetics (formerly Invitae), Labcorp
Classification: Uncertain significance for Neuroblastoma, susceptibility to, 3. Last evaluated: 2024-07-19. Review status: criteria provided, single submitter. Criteria: Invitae Variant Classification Sherloc (09022015). Collection method: clinical testing. Allele origin: germline.
Comment: This sequence change replaces aspartic acid, which is acidic and polar, with glutamic acid, which is acidic and polar, at codon 993 of the ALK protein (p.Asp993Glu). This variant is not present in population databases (gnomAD no frequency). This variant has not been reported in the literature in individuals affected with ALK-related conditions. ClinVar contains an entry for this variant (Variation ID: 862216). An algorithm developed to predict the effect of missense changes on protein structure and function (PolyPhen-2) suggests that this variant is likely to be disruptive. In summary, the available evidence is currently insufficient to determine the role of this variant in disease. Therefore, it has been classified as a Variant of Uncertain Significance.

Baylor Genetics
Classification: Uncertain significance for Neuroblastoma, susceptibility to, 3. Last evaluated: 2024-03-08. Review status: criteria provided, single submitter. Criteria: ACMG Guidelines, 2015. Collection method: clinical testing. Allele origin: unknown.

GeneDx
Classification: Uncertain significance. Last evaluated: 2022-05-12. Review status: criteria provided, single submitter. Criteria: GeneDx Variant Classification Process June 2021. Collection method: clinical testing. Allele origin: germline. Affected: yes.
Comment: Not observed at significant frequency in large population cohorts (gnomAD); In silico analysis supports that this missense variant does not alter protein structure/function; Has not been previously published as pathogenic or benign to our knowledge